The following is an entry in ClinVar:

ClinVar aggregate classification (germline): Conflicting classifications of pathogenicity. Review status: criteria provided, conflicting classifications (1 of 4 stars). 24 submissions from 24 submitters: Uncertain significance (2); Benign (6); Likely benign (10). 6 of the submissions do not count toward it. Last evaluated 2026-07-01.

Conditions:
PKP2-related disorder. Also called: PKP2-related condition.
Cardiovascular phenotype. Identifiers: MedGen CN230736.
Familial isolated arrhythmogenic right ventricular dysplasia. Identifiers: Orphanet 217656, MedGen C4274968, MONDO:0016342.
Arrhythmogenic right ventricular cardiomyopathy (ARVD). Also called: Arrhythmogenic Right Ventricular Cardiomyopathy (ARVC); Cardiomyopathy, ARVC; Arrhythmogenic right ventricular dysplasia; Arrhythmogenic cardiomyopathy. Identifiers: Orphanet 247, MedGen C0349788, MeSH D019571, MONDO:0016587. Disease mechanism: loss of function. Inheritance: Various modes of inheritance.
Cardiomyopathy (CMYO). Also called: Cardiomyopathies. Identifiers: Orphanet 167848, MedGen C0878544, MONDO:0004994, HP:0001638. Inheritance: Various modes of inheritance.
Long QT syndrome (LQTS). Identifiers: MedGen C0023976, MeSH D008133, MONDO:0002442. Disease mechanism: loss of function. Inheritance: Various modes of inheritance.
Arrhythmogenic right ventricular dysplasia 9 (ARVD9). Also called: Arrhythmogenic Right Ventricular Dysplasia/Cardiomyopathy 9; ARRHYTHMOGENIC RIGHT VENTRICULAR DYSPLASIA, FAMILIAL, 9. Identifiers: MedGen C1836906, MONDO:0012180, OMIM 609040.

Allele frequency attached by ClinVar (database versions not stated): 1000 Genomes Project 30x 0.00062; TOPMed 0.00068; ESP Exome Variant Server 0.00038; 1000 Genomes Project 0.00060.
gnomAD v4.1: 1,380 of 1,614,042 alleles (0.085%); highest among the groups gnomAD compares: Middle Eastern, 0.73%; 8 homozygotes.

Submissions 1 to 18 of 24:

CeGaT Center for Human Genetics Tuebingen
Classification: Benign. Last evaluated: 2026-07-01. Review status: criteria provided, single submitter. Criteria: CeGaT Center For Human Genetics Tuebingen Variant Classification Criteria Version 2. Collection method: clinical testing. Allele origin: germline. Affected: yes. Observed: 21 variant alleles.
Comment: PKP2: BP4, BS1, BS2

Labcorp Genetics (formerly Invitae), Labcorp
Classification: Likely benign for Arrhythmogenic right ventricular dysplasia 9. Last evaluated: 2026-02-03. Review status: criteria provided, single submitter. Criteria: Invitae Variant Classification Sherloc (09022015). Collection method: clinical testing. Allele origin: germline.

Molecular Diagnostic Laboratory for Inherited Cardiovascular Disease, Montreal Heart Institute
Classification: Likely benign. Last evaluated: 2025-04-09. Review status: criteria provided, single submitter. Criteria: ACMG Guidelines, 2015. Collection method: clinical testing. Allele origin: germline. Affected: no.
Comment: BS1, BP4

Blueprint Genetics
Classification: Likely benign. Last evaluated: 2024-11-27. Review status: criteria provided, single submitter. Criteria: ACMG Guidelines, 2015. Collection method: clinical testing. Allele origin: germline.

All of Us Research Program, National Institutes of Health
Classification: Likely benign for Arrhythmogenic right ventricular cardiomyopathy. Last evaluated: 2024-09-26. Review status: criteria provided, single submitter. Criteria: ACMG Guidelines, 2015. Collection method: clinical testing. Allele origin: germline. Inheritance: Autosomal dominant inheritance. Observed: 369 variant alleles, 367 heterozygotes, 2 homozygotes.
Comment: This study involves interpretation of variants in research participants for the purpose of population health screening. Participant phenotype was not available at the time of variant classification. Additional details can be found in publication PMID: 35346344, PMCID: PMC8962531

Dept of Medical Biology, Uskudar University
Classification: Uncertain significance for Long QT syndrome. Last evaluated: 2024-01-08. Review status: criteria provided, single submitter. Criteria: Dept of Medical Biology Variant Classification. Collection method: research. Allele origin: paternal. Affected: yes. Observed: 1 variant allele.
Comment: Criteria: BS1, PP3

Women's Health and Genetics/Laboratory Corporation of America, LabCorp
Classification: Benign. Last evaluated: 2023-06-12. Review status: criteria provided, single submitter. Criteria: LabCorp Variant Classification Summary - May 2015. Collection method: clinical testing. Allele origin: germline.
Comment: Variant summary: PKP2 c.2431C>A (p.Arg811Ser) results in a non-conservative amino acid change in the encoded protein sequence. Three of five in-silico tools predict a damaging effect of the variant on protein function. The variant allele was found at a frequency of 0.0009 in 253076 control chromosomes (gnomAD, Fressart_2010, Klauke_2010, Tan_2010), including 1 homozygote in the gnomAD database. The observed variant frequency is approximately 1.4 fold of the estimated maximal expected allele frequency for a pathogenic variant in PKP2 causing Arrhythmogenic Right Ventricular Dysplasia/Cardiomyopathy (0.00065), suggesting that the variant is benign. c.2431C>A has been reported in the literature in individuals affected with ARVD and other cardiological phenotypes (Fressart_2010, Klauke_2010, Tan_2010, Bottillo_2016, Proost_2017, Chua_2018, Sahlin_2019), however without strong evidence for pathogenicity (i.e. lack of co-segregation data), these reports do not provide unequivocal conclusions about association of the variant with Arrhythmogenic Right Ventricular Dysplasia/Cardiomyopathy. In addition, co-occurrences with other pathogenic variants have been reported in the literature (MYBPC3 c.3192dup (p.Lys1065fsX12), Bottillo_2016; DSG2 c.137G>A, p.Arg46Gln, Fressart_2010), providing supporting evidence for a benign role. To our knowledge, no experimental evidence demonstrating an impact on protein function has been reported. The following publications have been ascertained in the context of this evaluation (PMID: 24832006, 23299917, 26656175, 29582136, 20400443, 20829228, 23810883, 28341588, 30615648, 20857253). Eleven ClinVar submitters have assessed the variant since 2014: one classified the variant as uncertain significance, seven as likely benign, and three as benign. Based on the evidence outlined above, the variant was classified as benign.

Mayo Clinic Laboratories, Mayo Clinic
Classification: Likely benign. Last evaluated: 2022-09-15. Review status: criteria provided, single submitter. Criteria: ACMG Guidelines, 2015. Collection method: clinical testing. Allele origin: germline. Observed: 3 variant alleles.
Comment: BS1

CHEO Genetics Diagnostic Laboratory, Children's Hospital of Eastern Ontario
Classification: Benign for Cardiomyopathy. Last evaluated: 2020-03-03. Review status: criteria provided, single submitter. Criteria: ACMG Guidelines, 2015. Collection method: clinical testing. Allele origin: germline.

Illumina Laboratory Services, Illumina
Classification: Uncertain significance for Arrhythmogenic right ventricular dysplasia 9. Last evaluated: 2019-08-02. Review status: criteria provided, single submitter. Criteria: ICSL Variant Classification Criteria 13 December 2019. Collection method: clinical testing. Allele origin: germline.
Comment: This variant was observed as part of a predisposition screen in an ostensibly healthy population. A literature search was performed for the gene, cDNA change, and amino acid change (where applicable). Publications were found based on this search. However, the evidence from the literature, in combination with allele frequency data from public databases where available, was not sufficient to rule this variant in or out of causing disease. Therefore, this variant is classified as a variant of unknown significance.

Mendelics
Classification: Benign for Arrhythmogenic right ventricular dysplasia 9. Last evaluated: 2019-05-28. Review status: criteria provided, single submitter. Criteria: Mendelics Assertion Criteria 2017. Collection method: clinical testing. Allele origin: unknown.

Ambry Genetics
Classification: Likely benign for Cardiovascular phenotype. Last evaluated: 2018-10-30. Review status: criteria provided, single submitter. Criteria: Ambry Variant Classification Scheme 2023. Collection method: clinical testing. Allele origin: germline.

GeneDx
Classification: Benign. Last evaluated: 2018-05-24. Review status: criteria provided, single submitter. Criteria: GeneDx Variant Classification Process June 2021. Collection method: clinical testing. Allele origin: germline. Affected: yes.
Comment: This variant is associated with the following publications: (PMID: 25637381, 20400443, 20857253, 23299917, 23810883, 24832006, 20829228, 23861362, 25351510, 26743238, 26656175, 26332594, 28341588, 29582136, 30731207, 31402444)

Color Diagnostics, LLC DBA Color Health
Classification: Likely benign for Cardiomyopathy. Last evaluated: 2018-04-10. Review status: criteria provided, single submitter. Criteria: ACMG Guidelines, 2015. Collection method: clinical testing. Allele origin: germline.

Laboratory for Molecular Medicine, Mass General Brigham Personalized Medicine
Classification: Likely benign. Last evaluated: 2017-08-01. Review status: criteria provided, single submitter. Criteria: LMM Criteria. Collection method: clinical testing. Allele origin: germline. Observed: 7 variant alleles.

Genome Diagnostics Laboratory, University Medical Center Utrecht
Classification: Likely benign for Arrhythmogenic right ventricular dysplasia 9. Last evaluated: 2017-06-09. Review status: criteria provided, single submitter. Criteria: ACGS Guidelines, 2013. Collection method: clinical testing. Allele origin: germline. Affected: yes. Study: VKGL Data-share Consensus.

Clinical Genetics DNA and cytogenetics Diagnostics Lab, Erasmus MC, Erasmus Medical Center
Classification: Likely benign for Arrhythmogenic right ventricular dysplasia 9. Last evaluated: 2017-05-31. Review status: criteria provided, single submitter. Criteria: ACGS Guidelines, 2013. Collection method: clinical testing. Allele origin: germline. Affected: yes. Study: VKGL Data-share Consensus.

Biesecker Lab/Clinical Genomics Section, National Institutes of Health
Classification: Benign for Arrhythmogenic right ventricular dysplasia/cardiomyopathy. Last evaluated: 2013-06-24. Review status: criteria provided, single submitter. Criteria: Ng et al. (Circ Cardiovasc Genet. 2013). Collection method: research. Allele origin: unknown. Observed: 8 variant alleles. Study: ClinSeq.
Comment: The study set was not selected for affection status in relation to any cancer. Pathogenicity categories were based on literature curation. See Pubmed ID:23861362 for details.

Medical sequencing

NM_001005242.3(PKP2):c.2299C>A (p.Arg767Ser)

Gene: PKP2 (plakophilin 2; minus strand). Cytogenetic location: 12p11.21.
Variant type: single nucleotide variant.
Coding change: c.2299C>A on transcript NM_001005242.3 (MANE Select); coding-DNA position 2299, C replaced by A.
Protein change: p.Arg767Ser; replaces arginine 767 with serine.
Molecular consequence: missense variant.
Genome position (GRCh38, 1-based): chr12:32,796,167, G>T on the plus strand (C>A on the coding strand, the complement: PKP2 is on the minus strand). VCF-style: chr12-32796167-G-T. GRCh37 (hg19) VCF-style: chr12-32949101-G-T.
Other names: p.R811S:CGC>AGC; c.2431C>A, p.Arg811Ser (NM_004572.4); short protein forms R811S, R767S.
Identifiers: ClinVar variation 45068 (VCV000045068.83), dbSNP rs139734328, ClinGen allele CA010668.
Genomic context (GRCh38, chr12:32,796,167, plus strand): 5'-ACGCATCGCCTGCACTAATGGCCATAATTTTCTGGATGCCCCCGGTGTTTAGAAGGTCGC[G>T]TGCATTCTGGTAACTGTTTTGGATTATGTTGTTCAATGTGTAACAGGCAGAGGCTGTAGT-3'
Protein context (NP_001005242.2, residues 757-777): NIIQNSYQNA[Arg767Ser]DLLNTGGIQK